The following is an entry in ClinVar:

NM_181882.3(PRX):c.3050A>C (p.Lys1017Thr)

Gene: PRX (periaxin; minus strand). Cytogenetic location: 19q13.2.
Variant type: single nucleotide variant.
Coding change: c.3050A>C on transcript NM_181882.3 (MANE Select); coding-DNA position 3050, A replaced by C.
Protein change: p.Lys1017Thr; replaces lysine 1017 with threonine.
Molecular consequence: missense variant. On other transcripts: 3 prime UTR variant (1).
Genome position (GRCh38, 1-based): chr19:40,395,302, T>G on the plus strand (A>C on the coding strand, the complement: PRX is on the minus strand). VCF-style: chr19-40395302-T-G. GRCh37 (hg19) VCF-style: chr19-40901209-T-G.
Other names: c.*3255A>C (NM_020956.2); c.3050A>C (NM_181882.2); short protein forms K1017T.
Identifiers: ClinVar variation 1509263 (VCV001509263.7), dbSNP rs538922683, ClinGen allele CA405895055.
Genomic context (GRCh38, chr19:40,395,302, plus strand): 5'-TCTGCTGCCTCAGTGTCCCGGCCTCTGACCCCAAACTTGGGGAGAGCAAACCTGGGCCCC[T>G]TGAACTTGAGGTCGGCCCCTGCCACCTCTACCTTGCCTGAGGGCAGGTGGGCATCCAGGC-3'
Protein context (NP_870998.2, residues 1007-1027): VEVAGADLKF[Lys1017Thr]GPRFALPKFG

ClinVar aggregate classification (germline): Uncertain significance. Review status: criteria provided, multiple submitters, no conflicts (2 of 4 stars). 2 submissions from 2 submitters: Uncertain significance (2). Last evaluated 2024-09-25.

Conditions:
Charcot-Marie-Tooth disease type 4. Also called: Charcot-Marie-Tooth disease, type IV; Charcot-Marie-Tooth, Type 4. Identifiers: Orphanet 64749, MedGen C4082197, MONDO:0018995.

Submissions (2):

GeneDx
Classification: Uncertain significance. Last evaluated: 2024-09-25. Review status: criteria provided, single submitter. Criteria: GeneDx Variant Classification Process June 2021. Collection method: clinical testing. Allele origin: germline. Affected: yes.
Comment: Not observed at significant frequency in large population cohorts (gnomAD); In silico analysis supports that this missense variant has a deleterious effect on protein structure/function; Has not been previously published as pathogenic or benign to our knowledge

Labcorp Genetics (formerly Invitae), Labcorp
Classification: Uncertain significance for Charcot-Marie-Tooth disease type 4. Last evaluated: 2022-07-06. Review status: criteria provided, single submitter. Criteria: Invitae Variant Classification Sherloc (09022015). Collection method: clinical testing. Allele origin: germline.
Comment: This variant has not been reported in the literature in individuals affected with PRX-related conditions. In summary, the available evidence is currently insufficient to determine the role of this variant in disease. Therefore, it has been classified as a Variant of Uncertain Significance. Algorithms developed to predict the effect of missense changes on protein structure and function are either unavailable or do not agree on the potential impact of this missense change (SIFT: "Tolerated"; PolyPhen-2: "Possibly Damaging"; Align-GVGD: "Class C0"). ClinVar contains an entry for this variant (Variation ID: 1509263). This variant is not present in population databases (gnomAD no frequency). This sequence change replaces lysine, which is basic and polar, with threonine, which is neutral and polar, at codon 1017 of the PRX protein (p.Lys1017Thr).